The following is an entry in ClinVar:

ClinVar aggregate classification (germline): Uncertain significance. Review status: criteria provided, multiple submitters, no conflicts (2 of 4 stars). 2 submissions from 2 submitters: Uncertain significance (2). Last evaluated 2025-06-26.

Conditions:
Tumor predisposition syndrome 3 (TPDS3). Also called: Melanoma, cutaneous malignant, susceptibility to, 10; LONG TELOMERE SYNDROME, POT1-RELATED; POT1 Tumor Predisposition; Glioma susceptibility 9. Identifiers: Orphanet 618, MedGen C4014476, MONDO:0014368, OMIM 615848.
Hereditary cancer-predisposing syndrome. Also called: Tumor predisposition; Neoplastic Syndromes, Hereditary; Hereditary neoplastic syndrome; Hereditary Cancer Syndrome. Identifiers: Orphanet 140162, MedGen C0027672, MeSH D009386, MONDO:0015356.

Allele frequency attached by ClinVar (database versions not stated): gnomAD exomes below 0.00001.

Submissions (2):

Ambry Genetics
Classification: Uncertain significance for Hereditary cancer-predisposing syndrome. Last evaluated: 2025-06-26. Review status: criteria provided, single submitter. Criteria: Ambry Variant Classification Scheme 2023. Collection method: clinical testing. Allele origin: germline.
Comment: The c.1858_1860delATT variant (also known as p.I620del) is located in coding exon 15 of the POT1 gene. This variant results from an in-frame ATT deletion at nucleotide positions 1858 to 1860. This results in the in-frame deletion of an isoleucine at codon 620. This amino acid position is not well conserved in available vertebrate species. In addition, the in silico prediction for this alteration is inconclusive (Choi Y et al. PLoS ONE. 2012; 7(10):e46688). Since supporting evidence is limited at this time, the clinical significance of this alteration remains unclear.

Labcorp Genetics (formerly Invitae), Labcorp
Classification: Uncertain significance for Tumor predisposition syndrome 3. Last evaluated: 2024-07-06. Review status: criteria provided, single submitter. Criteria: Invitae Variant Classification Sherloc (09022015). Collection method: clinical testing. Allele origin: germline.
Comment: This variant, c.1858_1860del, results in the deletion of 1 amino acid(s) of the POT1 protein (p.Ile620del), but otherwise preserves the integrity of the reading frame. This variant is present in population databases (no rsID available, gnomAD 0.0009%). This variant has not been reported in the literature in individuals affected with POT1-related conditions. ClinVar contains an entry for this variant (Variation ID: 569578). Experimental studies and prediction algorithms are not available or were not evaluated, and the functional significance of this variant is currently unknown. In summary, the available evidence is currently insufficient to determine the role of this variant in disease. Therefore, it has been classified as a Variant of Uncertain Significance.

NM_015450.3(POT1):c.1858_1860del (p.Ile620del)

Gene: POT1 (protection of telomeres 1; minus strand). Cytogenetic location: 7q31.33.
Variant type: Deletion.
Coding change: c.1858_1860del on transcript NM_015450.3 (MANE Select); coding-DNA positions 1858 to 1860, 3 bases deleted (ATT; older notation c.1858_1860delATT).
Protein change: p.Ile620del; deletes isoleucine 620.
Molecular consequence: inframe deletion. On other transcripts: non-coding transcript variant (3).
Genome position (GRCh38, 1-based): chr7:124,824,007-124,824,009, AAT deleted on the plus strand (ATT on the coding strand, the reverse complement: POT1 is on the minus strand). VCF-style (leftmost placement, unchanged base first): chr7-124824006-AAAT-A. GRCh37 (hg19) VCF-style: chr7-124464060-AAAT-A.
Other names: c.1465_1467del, p.Ile489del (NM_001042594.2); c.1858_1860del (NM_015450.2); short protein forms I620del, I489del.
Identifiers: ClinVar variation 569578 (VCV000569578.14), dbSNP rs1193436506, ClinGen allele CA577286066.